The following is an entry in ClinVar:

NM_001081.4(CUBN):c.5913_5916del (p.Thr1972fs)

Gene: CUBN (cubilin; minus strand). Cytogenetic location: 10p13.
Variant type: Microsatellite.
Coding change: c.5913_5916del on transcript NM_001081.4 (MANE Select); coding-DNA positions 5913 to 5916, 4 bases deleted (TACC; older notation c.5913_5916delTACC).
Protein change: p.Thr1972fs; shifts the reading frame from threonine 1972.
Molecular consequence: frameshift variant.
Genome position (GRCh38, 1-based): chr10:16,937,602-16,937,605, GGTA deleted on the plus strand (TACC on the coding strand, the reverse complement: CUBN is on the minus strand); deleting any 4 consecutive bases within chr10:16,937,602-16,937,609 gives the same sequence; the c. name uses the placement nearest the transcript's 3' end. VCF-style (leftmost placement, unchanged base first): chr10-16937601-TGGTA-T. GRCh37 (hg19) VCF-style: chr10-16979600-TGGTA-T.
Other names: c.5913_5916del (NM_001081.3); short protein forms T1972fs.
Identifiers: ClinVar variation 631629 (VCV000631629.21), dbSNP rs765301342, ClinGen allele CA5423875.

ClinVar aggregate classification (germline): Pathogenic/Likely pathogenic. Review status: criteria provided, multiple submitters, no conflicts (2 of 4 stars). 6 submissions from 6 submitters: Pathogenic (4); Likely pathogenic (1). 1 of the submissions does not count toward it. Last evaluated 2026-05-19.

Conditions:
CUBN-related disorder. Also called: CUBN-related condition.
Imerslund-Grasbeck syndrome. Also called: ENTEROCYTE COBALAMIN MALABSORPTION; ENTEROCYTE INTRINSIC FACTOR RECEPTOR, DEFECT OF; PERNICIOUS ANEMIA, JUVENILE, DUE TO SELECTIVE INTESTINAL MALABSORPTION OF VITAMIN B12, WITH PROTEINURIA; Megaloblastic anemia due to inborn errors of metabolism; Imerslund-Gräsbeck syndrome. Identifiers: Orphanet 35858, MedGen C4551825, MONDO:0009853.
Proteinuria, chronic benign. Identifiers: MedGen C5394384, MONDO:0030042, OMIM 618884.

Submissions (6):

GeneDx
Classification: Pathogenic. Last evaluated: 2026-05-19. Review status: criteria provided, single submitter. Criteria: GeneDx Variant Classification Process June 2021. Collection method: clinical testing. Allele origin: germline.
Comment: Not observed at significant frequency in large population cohorts (gnomAD); Frameshift variant predicted to result in protein truncation or nonsense mediated decay in a gene for which loss of function is a known mechanism of disease; This variant is associated with the following publications: (PMID: 33774617, 30924900, 37312928, 31613795)

Victorian Clinical Genetics Services, Murdoch Childrens Research Institute
Classification: Pathogenic for Proteinuria, chronic benign. Last evaluated: 2024-10-09. Review status: criteria provided, single submitter. Criteria: ACMG Guidelines, 2015. Collection method: clinical testing. Allele origin: germline. Inheritance: Autosomal recessive inheritance. Affected: yes.
Comment: Based on the classification scheme VCGS_Germline_v1.3.4, this variant is classified as Pathogenic. Following criteria are met: 0102 - Loss of function is a known mechanism of disease in this gene and is associated with Imerslund-Grasbeck syndrome 1 (MIM#261100) and chronic benign proteinuria (MIM#618884). Variants downstream of the vitamin B12/IF-binding domain are associated with isolated proteinuria (PMID: 31613795). (I) 0106 - This gene is associated with autosomal recessive disease. (I) 0201 - Variant is predicted to cause nonsense-mediated decay (NMD) and loss of protein (premature termination codon is located at least 54 nucleotides upstream of the final exon-exon junction). (SP) 0251 - This variant is heterozygous. (I) 0304 - Variant is present in gnomAD <0.01 for a recessive condition (v3: 17 heterozygotes, 0 homozygotes). (SP) 0701 - Other NMD-predicted variants comparable to the one identified in this case have very strong previous evidence for pathogenicity (DECIPHER). (SP) 0801 - This variant has strong previous evidence of pathogenicity in unrelated individuals. This variant has been classified multiple times as likely pathogenic/pathogenic, and once as a VUS, by clinical laboratories in ClinVar. It has also been reported in the literature, including in two compound heterozygous siblings with isolated chronic proteinuria (PMID: 37312928). (SP) 1208 - Inheritance information for this variant is not currently available in this individual. (I) Legend: (SP) - Supporting pathogenic, (I) - Information, (SB) - Supporting benign

Labcorp Genetics (formerly Invitae), Labcorp
Classification: Pathogenic for Imerslund-Grasbeck syndrome. Last evaluated: 2024-09-10. Review status: criteria provided, single submitter. Criteria: Invitae Variant Classification Sherloc (09022015). Collection method: clinical testing. Allele origin: germline.
Comment: This sequence change creates a premature translational stop signal (p.Thr1972Leufs*10) in the CUBN gene. It is expected to result in an absent or disrupted protein product. Loss-of-function variants in CUBN are known to be pathogenic (PMID: 15024727, 22929189, 25349199, 31613795, 34979989). This variant is present in population databases (rs765301342, gnomAD 0.009%). This premature translational stop signal has been observed in individual(s) with chronic proteinuria (PMID: 31613795). ClinVar contains an entry for this variant (Variation ID: 631629). For these reasons, this variant has been classified as Pathogenic.

Revvity Omics, Revvity
Classification: Pathogenic. Last evaluated: 2019-09-18. Review status: criteria provided, single submitter. Criteria: ACMG Guidelines, 2015. Collection method: clinical testing. Allele origin: germline.

Laboratory for Molecular Medicine, Mass General Brigham Personalized Medicine
Classification: Likely pathogenic for Imerslund-Grasbeck syndrome. Last evaluated: 2019-01-04. Review status: criteria provided, single submitter. Criteria: LMM Criteria. Collection method: clinical testing. Allele origin: germline. Inheritance: Autosomal recessive inheritance. Observed: 1 variant allele.
Comment: The p.Thr1972LeufsX10 variant in CUBN has not been previously reported in indivi duals with Imerslund-Grasbeck syndrome or megaloblastic anemia but has been iden tified in 12/128804 of European chromosomes by gnomAD. Although this variant has been seen in the general population, its fre quency is low enough to be consistent with a recessive carrier frequency. This v ariant is predicted to cause a frameshift, which alters the protein?s amino acid sequence beginning at position 1972 and leads to a premature termination codon 10 amino acids downstream. This alteration is then predicted to lead to a trunca ted or absent protein. Loss of function of the CUBN gene is an established disea se mechanism in autosomal recessive Imerslund-Grasbeck syndrome. In summary, alt hough additional studies are required to fully establish its clinical significan ce, this variant is likely pathogenic. ACMG/AMP criteria applied: PVS1, PM2

PreventionGenetics, part of Exact Sciences
Classification: Pathogenic for CUBN-related condition. Last evaluated: 2024-02-19. Review status: no assertion criteria provided. Collection method: clinical testing. Allele origin: germline. Not counted in ClinVar's aggregate classification.
Comment: The CUBN c.5913_5916delTACC variant is predicted to result in a frameshift and premature protein termination (p.Thr1972Leufs*10). This variant has been in an individual with chronic proteinuria (Bedin et al. 2020. PubMed ID: 31613795. Table S2). This variant is reported in 0.0093% of alleles in individuals of European (Non-Finnish) descent in gnomAD. Frameshift variants in CUBN are expected to be pathogenic. This variant is interpreted as pathogenic.

Literature cited by the submitters: PubMed 31613795 (cited by Victorian Clinical Genetics Services, Murdoch Childrens Research Institute and Labcorp Genetics (formerly Invitae), Labcorp); PubMed 37312928 (cited by Victorian Clinical Genetics Services, Murdoch Childrens Research Institute); PubMed 15024727 (cited by Labcorp Genetics (formerly Invitae), Labcorp); PubMed 22929189 (cited by Labcorp Genetics (formerly Invitae), Labcorp); PubMed 25349199 (cited by Labcorp Genetics (formerly Invitae), Labcorp); PubMed 34979989 (cited by Labcorp Genetics (formerly Invitae), Labcorp).